The following is an entry in ClinVar:

ClinVar aggregate classification (germline): Uncertain significance (1 of 4 stars; one submission).

Conditions:
Glycogen storage disease, type II (IOPD). Also called: Glucosidase acid-1,4-alpha deficiency; Pompe Disease; GLYCOGENOSIS, GENERALIZED, CARDIAC FORM; GSD II; Glycogen storage disease type 2; Acid maltase deficiency disease. Identifiers: Orphanet 365, MedGen C0017921, MONDO:0009290, OMIM 232300.

gnomAD v4.1: 4 of 1,613,958 alleles (0.00025%); highest among the groups gnomAD compares: Non-Finnish European, 0.00034%; no homozygotes.

Submission:

Labcorp Genetics (formerly Invitae), Labcorp
Classification: Uncertain significance for Glycogen storage disease, type II. Last evaluated: 2020-11-27. Review status: criteria provided, single submitter. Criteria: Invitae Variant Classification Sherloc (09022015). Collection method: clinical testing. Allele origin: germline.
Comment: This variant disrupts the c.1552-3 nucleotide in the GAA gene. Other variant(s) that disrupt this nucleotide have been determined to be pathogenic (PMID: 25243733, 16838077, 28196920, 23430949). This suggests that this nucleotide is clinically significant, and that variants that disrupt this position are likely to be disease-causing. In summary, the available evidence is currently insufficient to determine the role of this variant in disease. Therefore, it has been classified as a Variant of Uncertain Significance. Nucleotide substitutions within the consensus splice site are a relatively common cause of aberrant splicing (PMID: 17576681, 9536098). Algorithms developed to predict the effect of sequence changes on RNA splicing suggest that this variant is not likely to affect RNA splicing, but this prediction has not been confirmed by published transcriptional studies. This sequence change falls in intron 10 of the GAA gene. It does not directly change the encoded amino acid sequence of the GAA protein. It affects a nucleotide within the consensus splice site of the intron. This variant is not present in population databases (ExAC no frequency). This variant has not been reported in the literature in individuals with GAA-related conditions.

Literature cited by the submitters: PubMed 25243733; PubMed 16838077; PubMed 28196920; PubMed 23430949; PubMed 17576681; PubMed 9536098.

NM_000152.5(GAA):c.1552-3C>T

Gene: GAA (alpha glucosidase; plus strand). Cytogenetic location: 17q25.3.
Variant type: single nucleotide variant.
Coding change: c.1552-3C>T on transcript NM_000152.5 (MANE Select); 3 bases into the intron before coding-DNA position 1552, C replaced by T.
Molecular consequence: intron variant.
Genome position (GRCh38, 1-based): chr17:80,110,938, C>T. VCF-style: chr17-80110938-C-T. GRCh37 (hg19) VCF-style: chr17-78084737-C-T.
Other names: c.1552-3C>T (NM_001079803.3, NM_001079804.3).
Identifiers: ClinVar variation 1352137 (VCV001352137.8), dbSNP rs375470378, ClinGen allele CA2573154975.